The following is an entry in ClinVar:

NM_002547.3(OPHN1):c.702+29G>A

Gene: OPHN1 (oligophrenin 1; minus strand). Cytogenetic location: Xq12.
Variant type: single nucleotide variant.
Coding change: c.702+29G>A on transcript NM_002547.3 (MANE Select); 29 bases into the intron after coding-DNA position 702, G replaced by A.
Molecular consequence: intron variant.
Genome position (GRCh38, 1-based): chrX:68,212,079, C>T on the plus strand (G>A on the coding strand, the complement: OPHN1 is on the minus strand). VCF-style: chrX-68212079-C-T. GRCh37 (hg19) VCF-style: chrX-67431921-C-T.
Identifiers: ClinVar variation 159479 (VCV000159479.11), dbSNP rs3788859, ClinGen allele CA172917.

ClinVar aggregate classification (germline): Benign. Review status: criteria provided, multiple submitters, no conflicts (2 of 4 stars). 4 submissions from 4 submitters: Benign (3). 1 of the submissions does not count toward it. Last evaluated 2018-06-26.

Allele frequency attached by ClinVar (database versions not stated): 1000 Genomes Project 0.15974; ExAC 0.18268; ESP Exome Variant Server 0.11438; gnomAD 0.11700 and 0.11936; TOPMed 0.12756; gnomAD exomes 0.13168; 1000 Genomes Project 30x 0.16150.
gnomAD v4.1: 108,737 of 1,035,682 alleles (10%); highest among the groups gnomAD compares: South Asian, 20%; 4,372 homozygotes.

Submissions (4):

GeneDx
Classification: Benign. Last evaluated: 2018-06-26. Review status: criteria provided, single submitter. Criteria: GeneDx Variant Classification Process June 2021. Collection method: clinical testing. Allele origin: germline. Affected: yes.

Breakthrough Genomics
Classification: Benign. Review status: criteria provided, single submitter. Criteria: ACMG Guidelines, 2015. Collection method: not provided. Allele origin: germline. Inheritance: X-linked inheritance. Affected: yes.

PreventionGenetics, part of Exact Sciences
Classification: Benign. Review status: criteria provided, single submitter. Criteria: ACMG Guidelines, 2015. Collection method: clinical testing. Allele origin: germline.

Genetic Services Laboratory, University of Chicago
Classification: Likely benign. Review status: no assertion criteria provided. Collection method: clinical testing. Allele origin: germline. Inheritance: X-linked inheritance. Not counted in ClinVar's aggregate classification.
Comment: Likely benign based on allele frequency in 1000 Genomes Project or ESP global frequency and its presence in a patient with a rare or unrelated disease phenotype. NOT Sanger confirmed